The following is an entry in ClinVar:

NM_002497.4(NEK2):c.1300T>C (p.Tyr434His)

Gene: NEK2 (NIMA related kinase 2; minus strand). Cytogenetic location: 1q32.3.
Variant type: single nucleotide variant.
Coding change: c.1300T>C on transcript NM_002497.4 (MANE Select); coding-DNA position 1300, T replaced by C.
Protein change: p.Tyr434His; replaces tyrosine 434 with histidine.
Molecular consequence: missense variant. On other transcripts: intron variant (1).
Genome position (GRCh38, 1-based): chr1:211,663,464, A>G on the plus strand (T>C on the coding strand, the complement: NEK2 is on the minus strand). VCF-style: chr1-211663464-A-G. GRCh37 (hg19) VCF-style: chr1-211836806-A-G.
Other names: c.1111+3642T>C (NM_001204182.2); short protein forms Y434H.
Identifiers: ClinVar variation 1977633 (VCV001977633.5), dbSNP rs753859332, ClinGen allele CA1381461.

ClinVar aggregate classification (germline): Uncertain significance (1 of 4 stars; one submission).

Allele frequency attached by ClinVar (database versions not stated): ExAC 0.00001.
gnomAD v4.1: 2 of 1,613,724 alleles (0.00012%); highest among the groups gnomAD compares: East Asian, 0.0045%; no homozygotes.

Submission:

Labcorp Genetics (formerly Invitae), Labcorp
Classification: Uncertain significance. Last evaluated: 2024-10-16. Review status: criteria provided, single submitter. Criteria: Invitae Variant Classification Sherloc (09022015). Collection method: clinical testing. Allele origin: germline.
Comment: This sequence change replaces tyrosine, which is neutral and polar, with histidine, which is basic and polar, at codon 434 of the NEK2 protein (p.Tyr434His). This variant is present in population databases (rs753859332, gnomAD 0.01%). This variant has not been reported in the literature in individuals affected with NEK2-related conditions. ClinVar contains an entry for this variant (Variation ID: 1977633). An algorithm developed to predict the effect of missense changes on protein structure and function (PolyPhen-2) suggests that this variant is likely to be disruptive. In summary, the available evidence is currently insufficient to determine the role of this variant in disease. Therefore, it has been classified as a Variant of Uncertain Significance.